The following is an entry in ClinVar:

ClinVar aggregate classification (germline): Uncertain significance (1 of 4 stars; one submission).

Submission:

Labcorp Genetics (formerly Invitae), Labcorp
Classification: Uncertain significance. Last evaluated: 2022-06-27. Review status: criteria provided, single submitter. Criteria: Invitae Variant Classification Sherloc (09022015). Collection method: clinical testing. Allele origin: germline.
Comment: This variant is not present in population databases (gnomAD no frequency). This sequence change replaces phenylalanine, which is neutral and non-polar, with leucine, which is neutral and non-polar, at codon 136 of the ATRN protein (p.Phe136Leu). This variant has not been reported in the literature in individuals affected with ATRN-related conditions. Algorithms developed to predict the effect of missense changes on protein structure and function are either unavailable or do not agree on the potential impact of this missense change (SIFT: "Deleterious"; PolyPhen-2: "Benign"; Align-GVGD: "Class C0"). In summary, the available evidence is currently insufficient to determine the role of this variant in disease. Therefore, it has been classified as a Variant of Uncertain Significance.

NM_139321.3(ATRN):c.408C>A (p.Phe136Leu)

Gene: ATRN (attractin; plus strand). Cytogenetic location: 20p13.
Variant type: single nucleotide variant.
Coding change: c.408C>A on transcript NM_139321.3 (MANE Select); coding-DNA position 408, C replaced by A.
Protein change: p.Phe136Leu; replaces phenylalanine 136 with leucine.
Molecular consequence: missense variant. On other transcripts: intron variant (1).
Genome position (GRCh38, 1-based): chr20:3,471,515, C>A. VCF-style: chr20-3471515-C-A. GRCh37 (hg19) VCF-style: chr20-3452162-C-A.
Other names: c.408C>A, p.Phe136Leu (NM_001323332.2, NM_139322.4); c.62+381C>A (NM_001207047.3); short protein forms F136L.
Identifiers: ClinVar variation 1462021 (VCV001462021.6), dbSNP rs2146046656, ClinGen allele CA408252267.